The following is an entry in ClinVar:

ClinVar aggregate classification (germline): Pathogenic (1 of 4 stars; one submission).

Conditions:
Autosomal recessive congenital ichthyosis 1 (LI1). Also called: DESQUAMATION OF NEWBORN; ICHTHYOSIS CONGENITA; ICHTHYOSIS CONGENITA II; LAMELLAR EXFOLIATION OF NEWBORN; ICHTHYOSIS, CONGENITAL, AUTOSOMAL RECESSIVE 1, WITH BATHING SUIT DISTRIBUTION; ICHTHYOSIS, CONGENITAL, AUTOSOMAL RECESSIVE 1, WITH OR WITHOUT BATHING SUIT DISTRIBUTION. Identifiers: MedGen C4551630, MONDO:0009441, OMIM 242300.

Submission:

Myriad Genetics, Inc.
Classification: Pathogenic for Autosomal recessive congenital ichthyosis 1. Last evaluated: 2023-10-24. Review status: criteria provided, single submitter. Criteria: Myriad Autosomal Dominant, Autosomal Recessive and X-Linked Classification Criteria (2023). Collection method: clinical testing. Allele origin: unknown.
Comment: NM_000359.2(TGM1):c.240_241dupTG(G81Vfs*31) is expected to be pathogenic in the context of TGM1-related autosomal recessive congenital ichthyosis. This variant is predicted to lead to an abnormal or absent protein product due to the creation of a premature termination codon in TGM1, a gene where loss-of-function variants are known to be pathogenic. Please note: this variant was assessed in the context of healthy population screening.

NM_000359.3(TGM1):c.240_241dup (p.Gly81fs)

Gene: TGM1 (transglutaminase 1; minus strand). Cytogenetic location: 14q12.
Variant type: Duplication.
Coding change: c.240_241dup on transcript NM_000359.3 (MANE Select); coding-DNA positions 240 to 241, 2 bases duplicated (TG; older notation c.240_241dupTG).
Protein change: p.Gly81fs; shifts the reading frame from glycine 81.
Molecular consequence: frameshift variant.
Genome position (GRCh38, 1-based): chr14:24,262,112-24,262,113, CA duplicated on the plus strand (TG on the coding strand, the reverse complement: TGM1 is on the minus strand). VCF-style (leftmost placement, unchanged base first): chr14-24262111-C-CCA. GRCh37 (hg19) VCF-style: chr14-24731317-C-CCA.
Other names: short protein forms G81fs.
Identifiers: ClinVar variation 5012418 (VCV005012418.1).
Genomic context (GRCh38, chr14:24,262,111, plus strand): 5'-CCAGCTGCATTGACACCGCTGCCCCGGGATACAGGCCGGCGGGAGTCTGAGCCCCGGGAG[C>CCA]CAGGTCTTCGAGTGCCAGAGCTGGACCCTCGACCCCTGGAGTCAGAGGGTTCAGGTCCCC-3'